The following is an entry in ClinVar:

ClinVar aggregate classification (germline): Uncertain significance. Review status: criteria provided, multiple submitters, no conflicts (2 of 4 stars). 3 submissions from 3 submitters: Uncertain significance (3). Last evaluated 2025-12-12.

Conditions:
Cystic fibrosis (CF). Also called: MUCOVISCIDOSIS. Identifiers: Orphanet 586, MedGen C0010674, MONDO:0009061, OMIM 219700. Disease mechanism: loss of function.

Submissions (3):

Ambry Genetics
Classification: Uncertain significance for Cystic fibrosis. Last evaluated: 2025-12-12. Review status: criteria provided, single submitter. Criteria: Ambry Variant Classification Scheme 2023. Collection method: clinical testing. Allele origin: germline.
Comment: The p.V1190I variant (also known as c.3568G>A), located in coding exon 22 of the CFTR gene, results from a G to A substitution at nucleotide position 3568. The valine at codon 1190 is replaced by isoleucine, an amino acid with highly similar properties. This amino acid position is well conserved in available vertebrate species. In addition, the in silico prediction for this alteration is inconclusive. Since supporting evidence is limited at this time, the clinical significance of this alteration remains unclear.

Women's Health and Genetics/Laboratory Corporation of America, LabCorp
Classification: Uncertain significance. Last evaluated: 2025-04-14. Review status: criteria provided, single submitter. Criteria: LabCorp Variant Classification Summary - May 2015. Collection method: clinical testing. Allele origin: germline.
Comment: Variant summary: CFTR c.3568G>A (p.Val1190Ile) results in a conservative amino acid change in the encoded protein sequence. Five of five in-silico tools predict a benign effect of the variant on protein function. The variant was absent in 250564 control chromosomes. The available data on variant occurrences in the general population are insufficient to allow any conclusion about variant significance. To our knowledge, no occurrence of c.3568G>A in individuals affected with Cystic Fibrosis and no experimental evidence demonstrating its impact on protein function have been reported. ClinVar contains an entry for this variant (Variation ID: 2624956). Based on the evidence outlined above, the variant was classified as uncertain significance.

ARUP Laboratories, Molecular Genetics and Genomics, ARUP Laboratories
Classification: Uncertain significance. Last evaluated: 2024-09-10. Review status: criteria provided, single submitter. Criteria: ARUP Molecular Germline Variant Investigation Process 2024. Collection method: clinical testing. Allele origin: germline.
Comment: The CFTR c.3568G>A; p.Val1190Ile variant, to our knowledge, is not reported in the medical literature but is reported in ClinVar (Variation ID: 2624956). This variant is absent from the Genome Aggregation Database (v2.1.1), indicating it is not a common polymorphism. Computational analyses are uncertain whether this variant is neutral or deleterious (REVEL: 0.328). Due to limited information, the clinical significance of this variant is uncertain at this time.

NM_000492.4(CFTR):c.3568G>A (p.Val1190Ile)

Genes: CFTR (CF transmembrane conductance regulator; plus strand), CFTR-AS2 (CFTR antisense RNA 2; minus strand). Cytogenetic location: 7q31.2.
Variant type: single nucleotide variant.
Coding change: c.3568G>A on transcript NM_000492.4 (MANE Select); coding-DNA position 3568, G replaced by A.
Protein change: p.Val1190Ile; replaces valine 1190 with isoleucine.
Molecular consequence: missense variant.
Genome position (GRCh38, 1-based): chr7:117,627,621, G>A. VCF-style: chr7-117627621-G-A. GRCh37 (hg19) VCF-style: chr7-117267675-G-A.
Other names: short protein forms V1190I.
Identifiers: ClinVar variation 2624956 (VCV002624956.6), dbSNP rs2485146304, ClinGen allele CA368996433.